The following is an entry in ClinVar:

NM_005236.3(ERCC4):c.1371C>G (p.Asp457Glu)

Gene: ERCC4 (ERCC excision repair 4, endonuclease catalytic subunit; plus strand). Cytogenetic location: 16p13.12.
Variant type: single nucleotide variant.
Coding change: c.1371C>G on transcript NM_005236.3 (MANE Select); coding-DNA position 1371, C replaced by G.
Protein change: p.Asp457Glu; replaces aspartic acid 457 with glutamic acid.
Molecular consequence: missense variant.
Genome position (GRCh38, 1-based): chr16:13,935,303, C>G. VCF-style: chr16-13935303-C-G. GRCh37 (hg19) VCF-style: chr16-14029160-C-G.
Other names: short protein forms D457E.
Identifiers: ClinVar variation 4618688 (VCV004618688.2).

ClinVar aggregate classification (germline): Uncertain significance. Review status: criteria provided, multiple submitters, no conflicts (2 of 4 stars). 2 submissions from 2 submitters: Uncertain significance (2). Last evaluated 2025-09-26.

Conditions:
ERCC4-related disorder. Also called: ERCC4-related condition.
Inborn genetic diseases. Identifiers: MedGen C0950123, MeSH D030342.

gnomAD v4.1: 38 of 1,613,884 alleles (0.0024%); highest among the groups gnomAD compares: Non-Finnish European, 0.0031%; no homozygotes.

Submissions (2):

Ambry Genetics
Classification: Uncertain significance for Inborn genetic diseases. Last evaluated: 2025-09-26. Review status: criteria provided, single submitter. Criteria: Ambry Variant Classification Scheme 2023. Collection method: clinical testing. Allele origin: germline.

PreventionGenetics, part of Exact Sciences
Classification: Uncertain significance for ERCC4-related condition. Last evaluated: 2024-10-16. Review status: criteria provided, single submitter. Criteria: ACMG Guidelines, 2015. Collection method: clinical testing. Allele origin: germline.
Comment: The ERCC4 c.1371C>G variant is predicted to result in the amino acid substitution p.Asp457Glu. To our knowledge, this variant has not been reported in the literature. This variant is reported in 0.0062% of alleles in individuals of European (Non-Finnish) descent in gnomAD. At this time, the clinical significance of this variant is uncertain due to the absence of conclusive functional and genetic evidence.